The following is an entry in ClinVar:

NM_001130438.3(SPTAN1):c.856G>C (p.Asp286His)

Gene: SPTAN1 (spectrin alpha, non-erythrocytic 1; plus strand). Cytogenetic location: 9q34.11.
Variant type: single nucleotide variant.
Coding change: c.856G>C on transcript NM_001130438.3 (MANE Select); coding-DNA position 856, G replaced by C.
Protein change: p.Asp286His; replaces aspartic acid 286 with histidine.
Molecular consequence: missense variant.
Genome position (GRCh38, 1-based): chr9:128,577,199, G>C. VCF-style: chr9-128577199-G-C. GRCh37 (hg19) VCF-style: chr9-131339478-G-C.
Other names: c.892G>C, p.Asp298His (NM_001375318.1, NM_001375312.2); c.856G>C, p.Asp286His (NM_003127.4, NM_001195532.2, NM_001363759.2 and 5 more transcripts); short protein forms D298H, D286H.
Identifiers: ClinVar variation 2842718 (VCV002842718.3), dbSNP rs2541050162, ClinGen allele CA375048599.

ClinVar aggregate classification (germline): Uncertain significance (1 of 4 stars; one submission).

Conditions:
Early-infantile DEE. Also called: Early infantile epileptic encephalopathy; Early infantile epileptic encephalopathy with suppression bursts; Ohtahara syndrome. Identifiers: Orphanet 1934, MedGen C0393706, MONDO:0800491.

Submission:

Labcorp Genetics (formerly Invitae), Labcorp
Classification: Uncertain significance for Early-infantile DEE. Last evaluated: 2023-03-04. Review status: criteria provided, single submitter. Criteria: Invitae Variant Classification Sherloc (09022015). Collection method: clinical testing. Allele origin: germline.
Comment: This sequence change replaces aspartic acid, which is acidic and polar, with histidine, which is basic and polar, at codon 286 of the SPTAN1 protein (p.Asp286His). This variant is not present in population databases (gnomAD no frequency). This variant has not been reported in the literature in individuals affected with SPTAN1-related conditions. Advanced modeling of protein sequence and biophysical properties (such as structural, functional, and spatial information, amino acid conservation, physicochemical variation, residue mobility, and thermodynamic stability) has been performed at Invitae for this missense variant, however the output from this modeling did not meet the statistical confidence thresholds required to predict the impact of this variant on SPTAN1 protein function. In summary, the available evidence is currently insufficient to determine the role of this variant in disease. Therefore, it has been classified as a Variant of Uncertain Significance.